The following is an entry in ClinVar:

ClinVar aggregate classification (germline): Benign (3 of 4 stars; one submission).

Conditions:
Breast-ovarian cancer, familial, susceptibility to, 2 (BROVCA2). Also called: BRCA2 Hereditary Breast and Ovarian Cancer. Identifiers: Orphanet 145, MedGen C2675520, MONDO:0012933, OMIM 612555. Disease mechanism: loss of function.

Allele frequency attached by ClinVar (database versions not stated): 1000 Genomes Project 0.00998; 1000 Genomes Project 30x 0.01077; gnomAD 0.01218 and 0.01313; TOPMed 0.01431.
gnomAD v4.1: 1,831 of 152,310 alleles (1.2%); highest among the groups gnomAD compares: African/African-American, 4.2%; 38 homozygotes.

Submission:

Evidence-based Network for the Interpretation of Germline Mutant Alleles (ENIGMA)
Classification: Benign for Breast-ovarian cancer, familial 2. Last evaluated: 2015-01-12. Review status: reviewed by expert panel. Criteria: ENIGMA BRCA1/2 Classification Criteria (2015). Collection method: curation. Allele origin: germline.
Comment: Class 1 not pathogenic based on frequency >1% in an outbred sampleset. Frequency 0.03252 (African), derived from 1000 genomes (2012-04-30).

NM_000059.4(BRCA2):c.8755-841T>C

Gene: BRCA2 (BRCA2 DNA repair associated; plus strand). Cytogenetic location: 13q13.1.
Variant type: single nucleotide variant.
Coding change: c.8755-841T>C on transcript NM_000059.4 (MANE Select); 841 bases into the intron before coding-DNA position 8755, T replaced by C.
Molecular consequence: intron variant.
Genome position (GRCh38, 1-based): chr13:32,378,476, T>C. VCF-style: chr13-32378476-T-C. GRCh37 (hg19) VCF-style: chr13-32952613-T-C.
Other names: IVS 21-841T>C.
Identifiers: ClinVar variation 209844 (VCV000209844.1), dbSNP rs11571766, ClinGen allele CA276812.